The following is an entry in ClinVar:

ClinVar aggregate classification (germline): Uncertain significance (1 of 4 stars; one submission).

Conditions:
Hypertrophic cardiomyopathy. Also called: HYPERTROPHIC MYOCARDIOPATHY. Identifiers: Orphanet 217569, MedGen C0007194, MeSH D002312, MONDO:0005045, HP:0001639.

Submission:

All of Us Research Program, National Institutes of Health
Classification: Uncertain significance for Hypertrophic cardiomyopathy. Last evaluated: 2023-11-20. Review status: criteria provided, single submitter. Criteria: ACMG Guidelines, 2015. Collection method: clinical testing. Allele origin: germline. Inheritance: Autosomal dominant inheritance. Observed: 1 variant allele, 1 heterozygote.
Comment: This missense variant replaces threonine with alanine at codon 62 of the MYBPC3 protein. Computational prediction suggests that this variant may not impact protein structure and function (internally defined REVEL score threshold <= 0.5, PMID: 27666373). To our knowledge, functional studies have not been reported for this variant. This variant has not been reported in individuals affected with MYBPC3-related disorders in the literature. This variant has not been identified in the general population by the Genome Aggregation Database (gnomAD). The available evidence is insufficient to determine the role of this variant in disease conclusively. Therefore, this variant is classified as a Variant of Uncertain Significance.

This study involves interpretation of variants in research participants for the purpose of population health screening. Participant phenotype was not available at the time of variant classification. Additional details can be found in publication PMID: 35346344, PMCID: PMC8962531

NM_000256.3(MYBPC3):c.184A>G (p.Thr62Ala)

Gene: MYBPC3 (myosin binding protein C3; minus strand). Cytogenetic location: 11p11.2.
Variant type: single nucleotide variant.
Coding change: c.184A>G on transcript NM_000256.3 (MANE Select); coding-DNA position 184, A replaced by G.
Protein change: p.Thr62Ala; replaces threonine 62 with alanine.
Molecular consequence: missense variant.
Genome position (GRCh38, 1-based): chr11:47,351,347, T>C on the plus strand (A>G on the coding strand, the complement: MYBPC3 is on the minus strand). VCF-style: chr11-47351347-T-C. GRCh37 (hg19) VCF-style: chr11-47372898-T-C.
Other names: short protein forms T62A.
Identifiers: ClinVar variation 3074550 (VCV003074550.1), dbSNP rs377225516, ClinGen allele CA380341757.
Genomic context (GRCh38, chr11:47,351,347, plus strand): 5'-TGACTGCGTAAGATCCCTGGTCGGCAGGGCCCACTTCCCGCACTGTCAGCGTATGCCGTG[T>C]GCCCTCTGTGGCCAGGCCGTACTTGTTGCTGGCGCTGATGTCACTGCCTCCGCGCTGCCA-3'
Protein context (NP_000247.2, residues 52-72): SNKYGLATEG[Thr62Ala]RHTLTVREVG